The following is an entry in ClinVar:

NM_001046.3(SLC12A2):c.761C>G (p.Pro254Arg)

Gene: SLC12A2 (solute carrier family 12 member 2; plus strand). Cytogenetic location: 5q23.3.
Variant type: single nucleotide variant.
Coding change: c.761C>G on transcript NM_001046.3 (MANE Select); coding-DNA position 761, C replaced by G.
Protein change: p.Pro254Arg; replaces proline 254 with arginine.
Molecular consequence: missense variant. On other transcripts: non-coding transcript variant (1).
Genome position (GRCh38, 1-based): chr5:128,112,818, C>G. VCF-style: chr5-128112818-C-G. GRCh37 (hg19) VCF-style: chr5-127448510-C-G.
Other names: c.761C>G, p.Pro254Arg (NM_001256461.2); short protein forms P254R.
Identifiers: ClinVar variation 4630988 (VCV004630988.2).
Genomic context (GRCh38, chr5:128,112,818, plus strand): 5'-CAAGTGATTTTAAATTTTAAATGTTAAGCATAATTCATATTTCTTTTTATAACCAGGAAC[C>G]TTTTGAGGATGGCTTTGCAAATGGGGAAGAAAGTACTCCAACCAGAGATGCTGTGGTCAC-3'
Protein context (NP_001037.1, residues 244-264): AELHDELEKE[Pro254Arg]FEDGFANGEE

ClinVar aggregate classification (germline): Uncertain significance. Review status: criteria provided, multiple submitters, no conflicts (2 of 4 stars). 2 submissions from 2 submitters: Uncertain significance (2). Last evaluated 2025-10-22.

Conditions:
Inborn genetic diseases. Identifiers: MedGen C0950123, MeSH D030342.

gnomAD v4.1: 48 of 1,604,974 alleles (0.003%); highest among the groups gnomAD compares: Non-Finnish European, 0.0035%; no homozygotes.

Submissions (2):

Ambry Genetics
Classification: Uncertain significance for Inborn genetic diseases. Last evaluated: 2025-10-22. Review status: criteria provided, single submitter. Criteria: Ambry Variant Classification Scheme 2023. Collection method: clinical testing. Allele origin: germline.

Labcorp Genetics (formerly Invitae), Labcorp
Classification: Uncertain significance. Last evaluated: 2025-08-10. Review status: criteria provided, single submitter. Criteria: Invitae Variant Classification Sherloc (09022015). Collection method: clinical testing. Allele origin: germline.
Comment: This sequence change replaces proline, which is neutral and non-polar, with arginine, which is basic and polar, at codon 254 of the SLC12A2 protein (p.Pro254Arg). This variant is present in population databases (no rsID available, gnomAD 0.004%). This variant has not been reported in the literature in individuals affected with SLC12A2-related conditions. Invitae Evidence Modeling of protein sequence and biophysical properties (such as structural, functional, and spatial information, amino acid conservation, physicochemical variation, residue mobility, and thermodynamic stability) indicates that this missense variant is not expected to disrupt SLC12A2 protein function with a negative predictive value of 95%. In summary, the available evidence is currently insufficient to determine the role of this variant in disease. Therefore, it has been classified as a Variant of Uncertain Significance.